The following is an entry in ClinVar:

NM_001164665.2(KIAA1549):c.2567C>A (p.Pro856His)

Gene: KIAA1549 (KIAA1549; minus strand). Cytogenetic location: 7q34.
Variant type: single nucleotide variant.
Coding change: c.2567C>A on transcript NM_001164665.2 (MANE Select); coding-DNA position 2567, C replaced by A.
Protein change: p.Pro856His; replaces proline 856 with histidine.
Molecular consequence: missense variant.
Genome position (GRCh38, 1-based): chr7:138,917,059, G>T on the plus strand (C>A on the coding strand, the complement: KIAA1549 is on the minus strand). VCF-style: chr7-138917059-G-T. GRCh37 (hg19) VCF-style: chr7-138601805-G-T.
Other names: c.2567C>A, p.Pro856His (NM_020910.3); short protein forms P856H.
Identifiers: ClinVar variation 1375708 (VCV001375708.9), dbSNP rs760405182, ClinGen allele CA4506474.

ClinVar aggregate classification (germline): Uncertain significance. Review status: criteria provided, multiple submitters, no conflicts (2 of 4 stars). 2 submissions from 2 submitters: Uncertain significance (2). Last evaluated 2026-01-05.

Allele frequency attached by ClinVar (database versions not stated): ExAC 0.00001; gnomAD 0.00001; TOPMed 0.00003.
gnomAD v4.1: 3 of 1,607,998 alleles (0.00019%); highest among the groups gnomAD compares: African/African-American, 0.0027%; no homozygotes.

Submissions (2):

Labcorp Genetics (formerly Invitae), Labcorp
Classification: Uncertain significance. Last evaluated: 2026-01-05. Review status: criteria provided, single submitter. Criteria: Invitae Variant Classification Sherloc (09022015). Collection method: clinical testing. Allele origin: germline.
Comment: This sequence change replaces proline, which is neutral and non-polar, with histidine, which is basic and polar, at codon 856 of the KIAA1549 protein (p.Pro856His). The frequency data for this variant in the population databases is considered unreliable, as metrics indicate poor data quality at this position in the gnomAD database. This variant has not been reported in the literature in individuals affected with KIAA1549-related conditions. ClinVar contains an entry for this variant (Variation ID: 1375708). An algorithm developed to predict the effect of missense changes on protein structure and function (PolyPhen-2) suggests that this variant is likely to be disruptive. In summary, the available evidence is currently insufficient to determine the role of this variant in disease. Therefore, it has been classified as a Variant of Uncertain Significance.

Blueprint Genetics
Classification: Uncertain significance. Last evaluated: 2022-06-20. Review status: criteria provided, single submitter. Criteria: ACMG Guidelines, 2015. Collection method: clinical testing. Allele origin: germline.